The following is an entry in ClinVar:

ClinVar aggregate classification (germline): Uncertain significance (1 of 4 stars; one submission).

Conditions:
Early-infantile DEE. Also called: Early infantile epileptic encephalopathy; Ohtahara syndrome; Early infantile epileptic encephalopathy with suppression bursts. Identifiers: Orphanet 1934, MedGen C0393706, MONDO:0800491.

Submission:

Labcorp Genetics (formerly Invitae), Labcorp
Classification: Uncertain significance for Early-infantile DEE. Last evaluated: 2024-03-21. Review status: criteria provided, single submitter. Criteria: Invitae Variant Classification Sherloc (09022015). Collection method: clinical testing. Allele origin: germline.
Comment: This sequence change falls in intron 10 of the SCN1A gene. It does not directly change the encoded amino acid sequence of the SCN1A protein. This variant is not present in population databases (gnomAD no frequency). This variant has not been reported in the literature in individuals affected with SCN1A-related conditions. Experimental studies and prediction algorithms are not available or were not evaluated, and the effect of this variant on mRNA splicing is currently unknown. In summary, the available evidence is currently insufficient to determine the role of this variant in disease. Therefore, it has been classified as a Variant of Uncertain Significance.

NM_001165963.4(SCN1A):c.1663-19_1663-5del

Gene: SCN1A (sodium voltage-gated channel alpha subunit 1; minus strand). Cytogenetic location: 2q24.3.
Variant type: Deletion.
Coding change: c.1663-19_1663-5del on transcript NM_001165963.4 (MANE Select); 19 bases into the intron before coding-DNA position 1663 through 5 bases into the intron before coding-DNA position 1663, 15 bases deleted (TGCTCTTTCAAACTT).
Molecular consequence: intron variant.
Genome position (GRCh38, 1-based): chr2:166,044,054-166,044,068, AAGTTTGAAAGAGCA deleted on the plus strand (TGCTCTTTCAAACTT on the coding strand, the reverse complement: SCN1A is on the minus strand); deleting any 15 consecutive bases within chr2:166,044,054-166,044,070 gives the same sequence; the c. name uses the placement nearest the transcript's 3' end. VCF-style (leftmost placement, unchanged base first): chr2-166044053-GAAGTTTGAAAGAGCA-G. GRCh37 (hg19) VCF-style: chr2-166900563-GAAGTTTGAAAGAGCA-G.
Other names: c.1663-19_1663-5del (NM_001353949.2, NM_001353958.2, NM_001353950.2 and 7 more transcripts); c.1660-19_1660-5del (NM_001353955.2, NM_001353960.2, NM_001353954.2); c.-763-19_-763-5del (NM_001353961.2).
Identifiers: ClinVar variation 3647147 (VCV003647147.2).